The following is an entry in ClinVar:

ClinVar aggregate classification (germline): Uncertain significance (1 of 4 stars; one submission).

Conditions:
Perlman syndrome (PRLMNS). Identifiers: Orphanet 2849, MedGen C0796113, MONDO:0009965, OMIM 267000.

Submission:

Labcorp Genetics (formerly Invitae), Labcorp
Classification: Uncertain significance for Perlman syndrome. Last evaluated: 2023-07-06. Review status: criteria provided, single submitter. Criteria: Invitae Variant Classification Sherloc (09022015). Collection method: clinical testing. Allele origin: germline.
Comment: This sequence change replaces proline, which is neutral and non-polar, with arginine, which is basic and polar, at codon 25 of the DIS3L2 protein (p.Pro25Arg). This variant is not present in population databases (gnomAD no frequency). This variant has not been reported in the literature in individuals affected with DIS3L2-related conditions. ClinVar contains an entry for this variant (Variation ID: 1005520). An algorithm developed to predict the effect of missense changes on protein structure and function (PolyPhen-2) suggests that this variant is likely to be tolerated. In summary, the available evidence is currently insufficient to determine the role of this variant in disease. Therefore, it has been classified as a Variant of Uncertain Significance.

NM_152383.5(DIS3L2):c.74C>G (p.Pro25Arg)

Gene: DIS3L2 (DIS3 like 3'-5' exoribonuclease 2; plus strand). Cytogenetic location: 2q37.1.
Variant type: single nucleotide variant.
Coding change: c.74C>G on transcript NM_152383.5 (MANE Select); coding-DNA position 74, C replaced by G.
Protein change: p.Pro25Arg; replaces proline 25 with arginine.
Molecular consequence: missense variant. On other transcripts: non-coding transcript variant (2).
Genome position (GRCh38, 1-based): chr2:232,015,535, C>G. VCF-style: chr2-232015535-C-G. GRCh37 (hg19) VCF-style: chr2-232880245-C-G.
Other names: c.74C>G, p.Pro25Arg (NM_001257281.2, NM_001257282.2); short protein forms P25R.
Identifiers: ClinVar variation 1005520 (VCV001005520.8), dbSNP rs1694328798, ClinGen allele CA351151849.